The following is an entry in ClinVar:

NM_001378743.1(CYLD):c.2319G>A (p.Leu773=)

Genes: CYLD-AS2 (CYLD antisense RNA 2; minus strand), CYLD (CYLD lysine 63 deubiquitinase; plus strand). Cytogenetic location: 16q12.1.
Variant type: single nucleotide variant.
Coding change: c.2319G>A on transcript NM_001378743.1 (MANE Select); coding-DNA position 2319, G replaced by A.
Protein change: p.Leu773=; no amino-acid change (leucine 773 retained).
Molecular consequence: synonymous variant. On other transcripts: non-coding transcript variant (1).
Genome position (GRCh38, 1-based): chr16:50,792,674, G>A. VCF-style: chr16-50792674-G-A. GRCh37 (hg19) VCF-style: chr16-50826585-G-A.
Other names: c.2310G>A, p.Leu770= (NM_001042355.2, NM_001042412.3, NM_001378744.1 and 6 more transcripts); c.2280G>A, p.Leu760= (NM_001378751.1, NM_001378752.1, NM_001378753.1); c.1644G>A, p.Leu548= (NM_001378754.1, NM_001378755.1); c.2319G>A, p.Leu773= (NM_015247.3).
Identifiers: ClinVar variation 319507 (VCV000319507.8), dbSNP rs199912760, ClinGen allele CA8052590.

ClinVar aggregate classification (germline): Benign/Likely benign. Review status: criteria provided, multiple submitters, no conflicts (2 of 4 stars). 4 submissions from 2 submitters: Benign (3); Likely benign (1). Last evaluated 2023-12-09.

Conditions:
Familial multiple trichoepitheliomata. Also called: Familial multiple trichoepithelioma. Identifiers: Orphanet 79493, Orphanet 867, MedGen C1275122, MONDO:0011114.
Brooke-Spiegler syndrome. Also called: CYLD Cutaneous Syndrome. Identifiers: Orphanet 79493, MedGen C1857941, MONDO:0011512, OMIM 605041.
Familial cylindromatosis. Also called: Turban tumor syndrome; ANCELL-SPIEGLER CYLINDROMAS. Identifiers: Orphanet 211, Orphanet 79493, MedGen C1851526, MONDO:0007565, OMIM 132700.

Allele frequency attached by ClinVar (database versions not stated): gnomAD exomes 0.00013 and 0.00006; 1000 Genomes Project 30x 0.00016; 1000 Genomes Project 0.00020; gnomAD 0.00001 and 0.00005; TOPMed 0.00002; ExAC 0.00010.
gnomAD v4.1: 187 of 1,555,926 alleles (0.012%); highest among the groups gnomAD compares: East Asian, 0.4%; 1 homozygote.

Submissions (4):

Labcorp Genetics (formerly Invitae), Labcorp
Classification: Likely benign. Last evaluated: 2023-12-09. Review status: criteria provided, single submitter. Criteria: Invitae Variant Classification Sherloc (09022015). Collection method: clinical testing. Allele origin: germline.

Illumina Laboratory Services, Illumina
Classification: Benign for Brooke-Spiegler syndrome. Last evaluated: 2018-01-13. Review status: criteria provided, single submitter. Criteria: ICSL Variant Classification Criteria 13 December 2019. Collection method: clinical testing. Allele origin: germline.
Comment: This variant was observed in the ICSL laboratory as part of a predisposition screen in an ostensibly healthy population. It had not been previously curated by ICSL or reported in the Human Gene Mutation Database (HGMD: prior to June 1st, 2018), and was therefore a candidate for classification through an automated scoring system. Utilizing variant allele frequency, disease prevalence and penetrance estimates, and inheritance mode, an automated score was calculated to assess if this variant is too frequent to cause the disease. Based on the score and internal cut-off values, a variant classified as benign is not then subjected to further curation. The score for this variant resulted in a classification of benign for this disease.

Illumina Laboratory Services, Illumina
Classification: Benign for Familial cylindromatosis. Last evaluated: 2018-01-13. Review status: criteria provided, single submitter. Criteria: ICSL Variant Classification Criteria 13 December 2019. Collection method: clinical testing. Allele origin: germline.
Comment: the same text as in the submission from Illumina Laboratory Services, Illumina above.

Illumina Laboratory Services, Illumina
Classification: Benign for Trichoepithelioma, multiple familial, 1. Last evaluated: 2018-01-13. Review status: criteria provided, single submitter. Criteria: ICSL Variant Classification Criteria 13 December 2019. Collection method: clinical testing. Allele origin: germline.
Comment: the same text as in the submission from Illumina Laboratory Services, Illumina above.